The following is an entry in ClinVar:

NM_006204.4(PDE6C):c.1821A>T (p.Arg607Ser)

Gene: PDE6C (phosphodiesterase 6C; plus strand). Cytogenetic location: 10q23.33.
Variant type: single nucleotide variant.
Coding change: c.1821A>T on transcript NM_006204.4 (MANE Select); coding-DNA position 1821, A replaced by T.
Protein change: p.Arg607Ser; replaces arginine 607 with serine.
Molecular consequence: missense variant.
Genome position (GRCh38, 1-based): chr10:93,641,003, A>T. VCF-style: chr10-93641003-A-T. GRCh37 (hg19) VCF-style: chr10-95400760-A-T.
Other names: short protein forms R607S.
Identifiers: ClinVar variation 1499417 (VCV001499417.7), dbSNP rs368058447, ClinGen allele CA5610303.

ClinVar aggregate classification (germline): Uncertain significance. Review status: criteria provided, multiple submitters, no conflicts (2 of 4 stars). 2 submissions from 2 submitters: Uncertain significance (2). Last evaluated 2021-08-18.

Allele frequency attached by ClinVar (database versions not stated): ExAC 0.00001; gnomAD exomes 0.00001; ESP Exome Variant Server 0.00008.
gnomAD v4.1: 12 of 1,609,278 alleles (0.00075%); highest among the groups gnomAD compares: Non-Finnish European, 0.001%; no homozygotes.

Submissions (2):

Labcorp Genetics (formerly Invitae), Labcorp
Classification: Uncertain significance. Last evaluated: 2021-08-18. Review status: criteria provided, single submitter. Criteria: Invitae Variant Classification Sherloc (09022015). Collection method: clinical testing. Allele origin: germline.
Comment: Algorithms developed to predict the effect of missense changes on protein structure and function are either unavailable or do not agree on the potential impact of this missense change (SIFT: "Tolerated"; PolyPhen-2: "Probably Damaging"; Align-GVGD: "Class C0"). In summary, the available evidence is currently insufficient to determine the role of this variant in disease. Therefore, it has been classified as a Variant of Uncertain Significance. This variant has not been reported in the literature in individuals affected with PDE6C-related conditions. This variant is present in population databases (rs368058447, ExAC 0.001%). This sequence change replaces arginine with serine at codon 607 of the PDE6C protein (p.Arg607Ser). The arginine residue is highly conserved and there is a moderate physicochemical difference between arginine and serine.

Blueprint Genetics
Classification: Uncertain significance. Last evaluated: 2021-07-27. Review status: criteria provided, single submitter. Criteria: ACMG Guidelines, 2015. Collection method: clinical testing. Allele origin: germline.